The following is an entry in ClinVar:

ClinVar aggregate classification (germline): Likely pathogenic (1 of 4 stars; one submission).

Submission:

GeneDx
Classification: Likely pathogenic. Last evaluated: 2017-03-03. Review status: criteria provided, single submitter. Criteria: GeneDx Variant Classification (06012015). Collection method: clinical testing. Allele origin: germline. Affected: yes.
Comment: The c.1479_1481dupTGA variant in the SPAST gene has not been reported previously as a pathogenic variant nor as a benign variant, to our knowledge. The c.1479_1481dupTGA is an in-frame duplication of three nucleotides, resulting in the insertion of an additional Aspartic acid at position 493 within the AAA ATPase domain of the protein, denoted p.Asp493dup. The c.1479_1481dupTGA variant is not observed in large population cohorts (Lek et al., 2016; 1000 Genomes Consortium et al., 2015; Exome Variant Server). We interpret c.1479_1481dupTGA as a likely pathogenic variant.

NM_014946.4(SPAST):c.1476TGA[3] (p.Asp493dup)

Gene: SPAST (spastin; plus strand). Cytogenetic location: 2p22.3.
Variant type: Microsatellite.
Coding change: c.1476TGA[3] on transcript NM_014946.4 (MANE Select); three copies in a row of the 3-base unit TGA starting at c.1476; the reference has two copies in a row; one copy, 3 bases duplicated.
Protein change: p.Asp493dup; duplicates aspartic acid 493.
Molecular consequence: inframe insertion.
Genome position (GRCh38, 1-based): chr2:32,137,174-32,137,176, TGA duplicated; duplicating any 3 consecutive bases within chr2:32,137,171-32,137,176 gives the same sequence; the position shown is the placement nearest the transcript's 3' end. VCF-style (leftmost placement, unchanged base first): chr2-32137170-T-TTGA. GRCh37 (hg19) VCF-style: chr2-32362239-T-TTGA.
Other names: c.1377TGA[3], p.Asp460dup (NM_001363875.2); c.1380TGA[3], p.Asp461dup (NM_001377959.1, NM_199436.2); c.1479_1481dupTGA (NM_014946.3); c.1473TGA[3], p.Asp492dup (NM_001363823.2).
Identifiers: ClinVar variation 424176 (VCV000424176.2), dbSNP rs1553318338, ClinGen allele CA16617530.